The following is an entry in ClinVar:

NM_016222.4(DDX41):c.1630G>A (p.Val544Met)

Gene: DDX41 (DEAD-box helicase 41; minus strand). Cytogenetic location: 5q35.3.
Variant type: single nucleotide variant.
Coding change: c.1630G>A on transcript NM_016222.4 (MANE Select); coding-DNA position 1630, G replaced by A.
Protein change: p.Val544Met; replaces valine 544 with methionine.
Molecular consequence: missense variant.
Genome position (GRCh38, 1-based): chr5:177,512,198, C>T on the plus strand (G>A on the coding strand, the complement: DDX41 is on the minus strand). VCF-style: chr5-177512198-C-T. GRCh37 (hg19) VCF-style: chr5-176939199-C-T.
Other names: c.1252G>A, p.Val418Met (NM_001321732.2, NM_001321830.2); short protein forms V418M, V544M.
Identifiers: ClinVar variation 3838995 (VCV003838995.1).

ClinVar aggregate classification (germline): Uncertain significance (1 of 4 stars; one submission).

Conditions:
Inborn genetic diseases. Identifiers: MedGen C0950123, MeSH D030342.

Submission:

Ambry Genetics
Classification: Uncertain significance for Inborn genetic diseases. Last evaluated: 2025-01-29. Review status: criteria provided, single submitter. Criteria: Ambry Variant Classification Scheme 2023. Collection method: clinical testing. Allele origin: germline.
Comment: The p.V544M variant (also known as c.1630G>A), located in coding exon 16 of the DDX41 gene, results from a G to A substitution at nucleotide position 1630. The valine at codon 544 is replaced by methionine, an amino acid with highly similar properties. This amino acid position is highly conserved in available vertebrate species. In addition, the in silico prediction for this alteration is inconclusive. Based on the available evidence, the clinical significance of this variant remains unclear.